The following is an entry in ClinVar:

ClinVar aggregate classification (germline): Uncertain significance. Review status: criteria provided, multiple submitters, no conflicts (2 of 4 stars). 2 submissions from 2 submitters: Uncertain significance (2). Last evaluated 2023-11-18.

Conditions:
Inborn genetic diseases. Identifiers: MedGen C0950123, MeSH D030342.

Allele frequency attached by ClinVar (database versions not stated): gnomAD 0.00001; gnomAD exomes 0.00001 and 0.00003; ExAC 0.00003; TOPMed 0.00003.
gnomAD v4.1: 9 of 1,614,052 alleles (0.00056%); highest among the groups gnomAD compares: Admixed American, 0.015%; no homozygotes.

Submissions (2):

Ambry Genetics
Classification: Uncertain significance for Inborn genetic diseases. Last evaluated: 2023-11-18. Review status: criteria provided, single submitter. Criteria: Ambry Variant Classification Scheme 2023. Collection method: clinical testing. Allele origin: germline.

Labcorp Genetics (formerly Invitae), Labcorp
Classification: Uncertain significance. Last evaluated: 2020-10-28. Review status: criteria provided, single submitter. Criteria: Invitae Variant Classification Sherloc (09022015). Collection method: clinical testing. Allele origin: germline.
Comment: In summary, the available evidence is currently insufficient to determine the role of this variant in disease. Therefore, it has been classified as a Variant of Uncertain Significance. Algorithms developed to predict the effect of missense changes on protein structure and function are either unavailable or do not agree on the potential impact of this missense change (SIFT: "Deleterious"; PolyPhen-2: "Not Available"; Align-GVGD: "Class C0"). This variant has not been reported in the literature in individuals with STX3-related conditions. This variant is present in population databases (rs746237605, ExAC 0.03%). This sequence change replaces valine with alanine at codon 286 of the STX3 protein (p.Val286Ala). The valine residue is highly conserved and there is a small physicochemical difference between valine and alanine.

NM_004177.5(STX3):c.857T>C (p.Val286Ala)

Gene: STX3 (syntaxin 3; plus strand). Cytogenetic location: 11q12.1.
Variant type: single nucleotide variant.
Coding change: c.857T>C on transcript NM_004177.5 (MANE Select); coding-DNA position 857, T replaced by C.
Protein change: p.Val286Ala; replaces valine 286 with alanine.
Molecular consequence: missense variant. On other transcripts: intron variant (4).
Genome position (GRCh38, 1-based): chr11:59,797,353, T>C. VCF-style: chr11-59797353-T-C. GRCh37 (hg19) VCF-style: chr11-59564826-T-C.
Other names: c.857T>C, p.Val286Ala (NM_001440522.1, NM_001440523.1, NM_001440524.1 and 1 more transcripts); c.851T>C, p.Val284Ala (NM_001440528.1); c.836T>C, p.Val279Ala (NM_001440530.1); c.746T>C, p.Val249Ala (NM_001440531.1); c.786+1871T>C (NM_001440526.1, NM_001178040.3); c.786+1641T>C (NM_001440529.1, NM_001440527.1); short protein forms V286A, V249A, V279A, V284A.
Identifiers: ClinVar variation 1059919 (VCV001059919.9), dbSNP rs746237605, ClinGen allele CA6021044.